The following is an entry in ClinVar:

ClinVar aggregate classification (germline): Uncertain significance (1 of 4 stars; one submission).

Conditions:
Insulin-dependent diabetes mellitus secretory diarrhea syndrome (IPEX). Also called: Immune dysregulation-polyendocrinopathy-enteropathy-X-linked syndrome; Immunodeficiency, Polyendocrinopathy, and Enteropathy X-Linked Syndrome; X-Linked Syndrome of Polyendocrinopathy, Immune Dysfunction, and Diarrhea; IPEX and IPEX-Like; X-Linked Autoimmunity-Allergic Dysregulation Syndrome; DIABETES MELLITUS, CONGENITAL INSULIN-DEPENDENT, WITH FATAL SECRETORY DIARRHEA. Identifiers: Orphanet 37042, MedGen C0342288, MONDO:0010580, OMIM 304790. Disease mechanism: loss of function.

Submission:

Labcorp Genetics (formerly Invitae), Labcorp
Classification: Uncertain significance for Insulin-dependent diabetes mellitus secretory diarrhea syndrome. Last evaluated: 2023-04-24. Review status: criteria provided, single submitter. Criteria: Invitae Variant Classification Sherloc (09022015). Collection method: clinical testing. Allele origin: germline.
Comment: This sequence change replaces serine, which is neutral and polar, with proline, which is neutral and non-polar, at codon 271 of the FOXP3 protein (p.Ser271Pro). In summary, the available evidence is currently insufficient to determine the role of this variant in disease. Therefore, it has been classified as a Variant of Uncertain Significance. Advanced modeling of protein sequence and biophysical properties (such as structural, functional, and spatial information, amino acid conservation, physicochemical variation, residue mobility, and thermodynamic stability) performed at Invitae indicates that this missense variant is not expected to disrupt FOXP3 protein function. This variant has not been reported in the literature in individuals affected with FOXP3-related conditions. This variant is not present in population databases (gnomAD no frequency).

NM_014009.4(FOXP3):c.811T>C (p.Ser271Pro)

Gene: FOXP3 (forkhead box P3; minus strand). Cytogenetic location: Xp11.23.
Variant type: single nucleotide variant.
Coding change: c.811T>C on transcript NM_014009.4 (MANE Select); coding-DNA position 811, T replaced by C.
Protein change: p.Ser271Pro; replaces serine 271 with proline.
Molecular consequence: missense variant.
Genome position (GRCh38, 1-based): chrX:49,255,434, A>G on the plus strand (T>C on the coding strand, the complement: FOXP3 is on the minus strand). VCF-style: chrX-49255434-A-G. GRCh37 (hg19) VCF-style: chrX-49111895-A-G.
Other names: c.706T>C, p.Ser236Pro (NM_001114377.2); short protein forms S236P, S271P.
Identifiers: ClinVar variation 2858895 (VCV002858895.3), dbSNP rs2519191560, ClinGen allele CA412950866.